The following is an entry in ClinVar:

NM_052988.5(CDK10):c.1065C>A (p.Ser355Arg)

Gene: CDK10 (cyclin dependent kinase 10; plus strand). Cytogenetic location: 16q24.3.
Variant type: single nucleotide variant.
Coding change: c.1065C>A on transcript NM_052988.5 (MANE Select); coding-DNA position 1065, C replaced by A.
Protein change: p.Ser355Arg; replaces serine 355 with arginine.
Molecular consequence: missense variant. On other transcripts: non-coding transcript variant (1), intron variant (1).
Genome position (GRCh38, 1-based): chr16:89,695,674, C>A. VCF-style: chr16-89695674-C-A. GRCh37 (hg19) VCF-style: chr16-89762082-C-A.
Other names: c.834C>A, p.Ser278Arg (NM_001098533.3); c.852C>A, p.Ser284Arg (NM_001160367.2); c.773-55C>A (NM_052987.4); short protein forms S278R, S284R, S355R.
Identifiers: ClinVar variation 1027758 (VCV001027758.1), dbSNP rs2060691897, ClinGen allele CA397425801.

ClinVar aggregate classification (germline): Uncertain significance (1 of 4 stars; one submission).

Conditions:
Al Kaissi syndrome. Also called: GROWTH RETARDATION, SPINE MALFORMATION, DYSMORPHIC FACIES, AND DEVELOPMENTAL DELAY. Identifiers: MedGen C4540156, MONDO:0044324, OMIM 617694.

Submission:

Baylor Genetics
Classification: Uncertain significance for Al Kaissi syndrome. Last evaluated: 2019-08-02. Review status: criteria provided, single submitter. Criteria: ACMG Guidelines, 2015. Collection method: clinical testing. Allele origin: unknown. Affected: yes.
Comment: This variant was determined to be of uncertain significance according to ACMG Guidelines, 2015 [PMID:25741868].